The following is an entry in ClinVar:

NM_182569.4(GDPD1):c.126C>T (p.His42=)

Gene: GDPD1 (glycerophosphodiester phosphodiesterase domain containing 1; plus strand). Cytogenetic location: 17q22.
Variant type: single nucleotide variant.
Coding change: c.126C>T on transcript NM_182569.4 (MANE Select); coding-DNA position 126, C replaced by T.
Protein change: p.His42=; no amino-acid change (histidine 42 retained).
Molecular consequence: synonymous variant.
Genome position (GRCh38, 1-based): chr17:59,220,735, C>T. VCF-style: chr17-59220735-C-T. GRCh37 (hg19) VCF-style: chr17-57298096-C-T.
Other names: c.126C>T, p.His42= (NM_001165993.2, NM_001165994.2).
Identifiers: ClinVar variation 4978731 (VCV004978731.1).

ClinVar aggregate classification (germline): Likely benign (1 of 4 stars; one submission).

Conditions:
GDPD1-related condition.

gnomAD v4.1: 71 of 1,613,638 alleles (0.0044%); highest among the groups gnomAD compares: African/African-American, 0.091%; no homozygotes.

Submission:

PreventionGenetics, part of Exact Sciences
Classification: Likely benign for GDPD1-related condition. Last evaluated: 2026-09-23. Review status: criteria provided, single submitter. Criteria: ACMG Guidelines, 2015. Collection method: clinical testing. Allele origin: germline.
Comment: This variant is classified as likely benign based on ACMG/AMP sequence variant interpretation guidelines (Richards et al. 2015 PMID: 25741868, with internal and published modifications).